The following is an entry in ClinVar:

ClinVar aggregate classification (germline): Uncertain significance (1 of 4 stars; one submission).

Conditions:
Spastic paraplegia. Identifiers: MedGen C0037772, HP:0001258.

Allele frequency attached by ClinVar (database versions not stated): gnomAD 0.00001.
gnomAD v4.1: 1 of 1,613,916 alleles (0.000062%); highest among the groups gnomAD compares: Non-Finnish European, 0.000085%; no homozygotes.

Submission:

Labcorp Genetics (formerly Invitae), Labcorp
Classification: Uncertain significance for Spastic paraplegia. Last evaluated: 2021-07-31. Review status: criteria provided, single submitter. Criteria: Invitae Variant Classification Sherloc (09022015). Collection method: clinical testing. Allele origin: germline.
Comment: In summary, the available evidence is currently insufficient to determine the role of this variant in disease. Therefore, it has been classified as a Variant of Uncertain Significance. Advanced modeling of protein sequence and biophysical properties (such as structural, functional, and spatial information, amino acid conservation, physicochemical variation, residue mobility, and thermodynamic stability) performed at Invitae indicates that this missense variant is not expected to disrupt KIF5A protein function. This variant has not been reported in the literature in individuals affected with KIF5A-related conditions. This variant is not present in population databases (ExAC no frequency). This sequence change replaces serine with phenylalanine at codon 974 of the KIF5A protein (p.Ser974Phe). The serine residue is moderately conserved and there is a large physicochemical difference between serine and phenylalanine.

NM_004984.4(KIF5A):c.2921C>T (p.Ser974Phe)

Gene: KIF5A (kinesin family member 5A; plus strand). Cytogenetic location: 12q13.3.
Variant type: single nucleotide variant.
Coding change: c.2921C>T on transcript NM_004984.4 (MANE Select); coding-DNA position 2921, C replaced by T.
Protein change: p.Ser974Phe; replaces serine 974 with phenylalanine.
Molecular consequence: missense variant.
Genome position (GRCh38, 1-based): chr12:57,581,881, C>T. VCF-style: chr12-57581881-C-T. GRCh37 (hg19) VCF-style: chr12-57975664-C-T.
Other names: c.2654C>T, p.Ser885Phe (NM_001354705.2); short protein forms S974F, S885F.
Identifiers: ClinVar variation 1371317 (VCV001371317.6), dbSNP rs1882614569, ClinGen allele CA385516557.